The following is an entry in ClinVar:

NM_000199.5(SGSH):c.379G>C (p.Gly127Arg)

Gene: SGSH (N-sulfoglucosamine sulfohydrolase; minus strand). Cytogenetic location: 17q25.3.
Variant type: single nucleotide variant.
Coding change: c.379G>C on transcript NM_000199.5 (MANE Select); coding-DNA position 379, G replaced by C.
Protein change: p.Gly127Arg; replaces glycine 127 with arginine.
Molecular consequence: missense variant. On other transcripts: non-coding transcript variant (1).
Genome position (GRCh38, 1-based): chr17:80,214,742, C>G on the plus strand (G>C on the coding strand, the complement: SGSH is on the minus strand). VCF-style: chr17-80214742-C-G. GRCh37 (hg19) VCF-style: chr17-78188541-C-G.
Other names: c.379G>C, p.Gly127Arg (NM_001352921.3, NM_001352922.2); short protein forms G127R.
Identifiers: ClinVar variation 5008540 (VCV005008540.1).

ClinVar aggregate classification (germline): Uncertain significance (1 of 4 stars; one submission).

gnomAD v4.1: 2 of 1,612,560 alleles (0.00012%); highest among the groups gnomAD compares: Non-Finnish European, 0.00017%; no homozygotes.

Submission:

GeneDx
Classification: Uncertain significance. Last evaluated: 2026-03-04. Review status: criteria provided, single submitter. Criteria: GeneDx Variant Classification Process June 2021. Collection method: clinical testing. Allele origin: germline.
Comment: Not observed at significant frequency in large population cohorts (gnomAD); In silico analysis supports that this missense variant has a deleterious effect on protein structure/function; Has not been previously published as pathogenic or benign to our knowledge